The following is an entry in ClinVar:

NC_000003.11:g.(?_14206303)_(14220439_?)del

Genes: LSM3 (LSM3 homolog, U6 small nuclear RNA and mRNA degradation associated; plus strand), XPC (XPC complex subunit, DNA damage recognition and repair factor; minus strand). Cytogenetic location: 3p25.1.
Variant type: Deletion.
Identifiers: ClinVar variation 1458454 (VCV001458454.4).

ClinVar aggregate classification (germline): Pathogenic (1 of 4 stars; one submission).

Submission:

Labcorp Genetics (formerly Invitae), Labcorp
Classification: Pathogenic. Last evaluated: 2021-02-05. Review status: criteria provided, single submitter. Criteria: Invitae Variant Classification Sherloc (09022015). Collection method: clinical testing. Allele origin: germline.
Comment: For these reasons, this variant has been classified as Pathogenic. This variant has not been reported in the literature in individuals with XPC-related conditions. This variant is a gross deletion of the genomic region encompassing exon(s) 1-7 of the XPC gene, which includes the initiator codon. The 5' end of this event is unknown as it extends beyond the assayed region for this gene and therefore may encompass additional genes. The 3' boundary is likely confined to intron 7 of the XPC gene. It is expected to result in an absent or disrupted protein product. Loss-of-function variants in XPC are known to be pathogenic (PMID: 23173980, 25256075).

Literature cited by the submitters: PubMed 23173980; PubMed 25256075.